The following is an entry in ClinVar:

ClinVar aggregate classification (germline): Likely benign (1 of 4 stars; one submission).

Submission:

CeGaT Center for Human Genetics Tuebingen
Classification: Likely benign. Last evaluated: 2026-05-01. Review status: criteria provided, single submitter. Criteria: CeGaT Center For Human Genetics Tuebingen Variant Classification Criteria Version 2. Collection method: clinical testing. Allele origin: germline. Affected: yes. Observed: 1 variant allele.
Comment: EMILIN1: BP4, BP7

NM_007046.4(EMILIN1):c.1545C>T (p.Gly515=)

Gene: EMILIN1 (elastin microfibril interfacer 1; plus strand). Cytogenetic location: 2p23.3.
Variant type: single nucleotide variant.
Coding change: c.1545C>T on transcript NM_007046.4 (MANE Select); coding-DNA position 1545, C replaced by T.
Protein change: p.Gly515=; no amino-acid change (glycine 515 retained).
Molecular consequence: synonymous variant.
Genome position (GRCh38, 1-based): chr2:27,083,116, C>T. VCF-style: chr2-27083116-C-T. GRCh37 (hg19) VCF-style: chr2-27305984-C-T.
Identifiers: ClinVar variation 4872200 (VCV004872200.2).